The following is an entry in ClinVar:

NM_024490.4(ATP10A):c.3894G>C (p.Arg1298Ser)

Gene: ATP10A (ATPase phospholipid transporting 10A (putative); minus strand). Cytogenetic location: 15q12.
Variant type: single nucleotide variant.
Coding change: c.3894G>C on transcript NM_024490.4 (MANE Select); coding-DNA position 3894, G replaced by C.
Protein change: p.Arg1298Ser; replaces arginine 1298 with serine.
Molecular consequence: missense variant.
Genome position (GRCh38, 1-based): chr15:25,679,947, C>G on the plus strand (G>C on the coding strand, the complement: ATP10A is on the minus strand). VCF-style: chr15-25679947-C-G. GRCh37 (hg19) VCF-style: chr15-25925094-C-G.
Other names: short protein forms R1298S.
Identifiers: ClinVar variation 3059660 (VCV003059660.2), dbSNP rs3816800, ClinGen allele CA7435928.
Genomic context (GRCh38, chr15:25,679,947, plus strand): 5'-GCATCTCCTGGGGGACTTCCTGGTCAACTGACGTGCCAGCTGAAGTTGTGTGGGGAAAAC[C>G]CTCCCCTGGAGGGATCTGAAAAACAATCTAGAAAAAGTACATTAAAACAAAAAGTTAGAT-3'
Protein context (NP_077816.1, residues 1288-1308): PRLFFRSLQG[Arg1298Ser]VFPTQLQLAR

ClinVar aggregate classification (germline): Benign (0 of 4 stars; one submission).

Conditions:
ATP10A-related disorder. Also called: ATP10A-related condition.

Allele frequency attached by ClinVar (database versions not stated): 1000 Genomes Project 0.44609; 1000 Genomes Project 30x 0.44675; ExAC 0.46191; TOPMed 0.46292; ESP Exome Variant Server 0.49047.
gnomAD v4.1: 751,204 of 1,601,962 alleles (47%); highest among the groups gnomAD compares: African/African-American, 52%; 177,960 homozygotes.

Submission:

PreventionGenetics, part of Exact Sciences
Classification: Benign for ATP10A-related condition. Last evaluated: 2019-10-16. Review status: no assertion criteria provided. Collection method: clinical testing. Allele origin: germline.
Comment: This variant is classified as benign based on ACMG/AMP sequence variant interpretation guidelines (Richards et al. 2015 PMID: 25741868, with internal and published modifications).